The following is an entry in ClinVar:

NM_007294.4(BRCA1):c.3592_3593dup (p.Leu1198fs)

Genes: BRCA1 (BRCA1 DNA repair associated; minus strand), LOC126862571 (BRD4-independent group 4 enhancer GRCh37_chr17:41243136-41244335; plus strand). Cytogenetic location: 17q21.31.
Variant type: Duplication.
Coding change: c.3592_3593dup on transcript NM_007294.4 (MANE Select); coding-DNA positions 3592 to 3593, 2 bases duplicated (TT; older notation c.3592_3593dupTT).
Protein change: p.Leu1198fs; shifts the reading frame from leucine 1198.
Molecular consequence: frameshift variant. On other transcripts: intron variant (135).
Genome position (GRCh38, 1-based): chr17:43,091,938-43,091,939, AA duplicated on the plus strand (TT on the coding strand, the reverse complement: BRCA1 is on the minus strand); duplicating any 2 consecutive bases within chr17:43,091,938-43,091,940 gives the same sequence; the c. name uses the placement nearest the transcript's 3' end. VCF-style (leftmost placement, unchanged base first): chr17-43091937-C-CAA. GRCh37 (hg19) VCF-style: chr17-41243954-C-CAA.
Other names: 3712insTT; c.3592_3593dupTT (NM_007294.3); c.665-907_665-906dup (NM_001408430.1, NM_001408427.1, NM_001408443.1 and 12 more transcripts); c.671-907_671-906dup (NM_001408423.1, NM_001408420.1, NM_001408419.1 and 2 more transcripts); c.788-907_788-906dup (NM_001408404.1, NM_001408472.1, NM_001407990.1 and 17 more transcripts); c.578-907_578-906dup (NM_001408492.1, NM_001408513.1, NM_001408489.1 and 9 more transcripts); c.644-907_644-906dup (NM_001408468.1, NM_001408465.1, NM_001408463.1 and 3 more transcripts); c.524-907_524-906dup (NM_001408501.1, NM_001408500.1, NM_001408497.1 and 3 more transcripts); and 43 more; short protein forms L1151fs, L1198fs, L1087fs, L1110fs, L1130fs, L1157fs, L1171fs, L1195fs.
Identifiers: ClinVar variation 254435 (VCV000254435.9), dbSNP rs80357562, ClinGen allele CA002291.
Genomic context (GRCh38, chr17:43,091,937, plus strand): 5'-ACTAGATAAGTTCTCTTCTGAGGACTCTAATTTCTTGGCCCCTCTTCGGTAACCCTGAGC[C>CAA]AAATGTGTATGGGTGAAAGGGCTAGGACTCCTGCTAAGCTCTCCTTTCTGGACGCTTTTG-3'

ClinVar aggregate classification (germline): Pathogenic. Review status: reviewed by expert panel (3 of 4 stars). 4 submissions from 4 submitters: Pathogenic (1). 3 of the submissions do not count toward it. Last evaluated 2016-09-08.

Conditions:
Breast-ovarian cancer, familial, susceptibility to, 1 (BROVCA1). Also called: BRCA1 Hereditary Breast and Ovarian Cancer; OVARIAN CANCER, SUSCEPTIBILITY TO. Identifiers: Orphanet 145, MedGen C2676676, MONDO:0011450, OMIM 604370. Disease mechanism: loss of function.
Hereditary cancer-predisposing syndrome. Also called: Hereditary Cancer Syndrome; Neoplastic Syndromes, Hereditary; Hereditary neoplastic syndrome; Tumor predisposition. Identifiers: Orphanet 140162, MedGen C0027672, MeSH D009386, MONDO:0015356.

Submissions (4):

Evidence-based Network for the Interpretation of Germline Mutant Alleles (ENIGMA)
Classification: Pathogenic for Breast-ovarian cancer, familial, susceptibility to, 1. Last evaluated: 2016-09-08. Review status: reviewed by expert panel. Criteria: ENIGMA BRCA1/2 Classification Criteria (2015). Collection method: curation. Allele origin: germline.
Comment: Variant allele predicted to encode a truncated non-functional protein.

Ambry Genetics
Classification: Pathogenic for Hereditary cancer-predisposing syndrome. Last evaluated: 2025-07-14. Review status: criteria provided, single submitter. Criteria: Ambry Variant Classification Scheme 2023. Collection method: clinical testing. Allele origin: germline. Not counted in ClinVar's aggregate classification.
Comment: The c.3592_3593dupTT pathogenic mutation, located in coding exon 9 of the BRCA1 gene, results from a duplication of TT at nucleotide position 3592, causing a translational frameshift with a predicted alternate stop codon (p.L1198Ffs*13). This alteration is expected to result in loss of function by premature protein truncation or nonsense-mediated mRNA decay. As such, this alteration is interpreted as a disease-causing mutation.

Baylor Genetics
Classification: Pathogenic for Breast-ovarian cancer, familial, susceptibility to, 1. Last evaluated: 2022-09-01. Review status: criteria provided, single submitter. Criteria: ACMG Guidelines, 2015. Collection method: clinical testing. Allele origin: unknown. Not counted in ClinVar's aggregate classification.

Breast Cancer Information Core (BIC) (BRCA1)
Classification: Pathogenic for Breast-ovarian cancer, familial 1. Last evaluated: 2004-02-20. Review status: no assertion criteria provided. Collection method: clinical testing. Allele origin: germline. Affected: yes. Observed: 1 variant allele. Not counted in ClinVar's aggregate classification.